The following is an entry in ClinVar:

NM_020191.4(MRPS22):c.648+6G>A

Gene: MRPS22 (mitochondrial ribosomal protein S22; plus strand). Cytogenetic location: 3q23.
Variant type: single nucleotide variant.
Coding change: c.648+6G>A on transcript NM_020191.4 (MANE Select); 6 bases into the intron after coding-DNA position 648, G replaced by A.
Molecular consequence: intron variant.
Genome position (GRCh38, 1-based): chr3:139,350,328, G>A. VCF-style: chr3-139350328-G-A. GRCh37 (hg19) VCF-style: chr3-139069170-G-A.
Other names: c.645+6G>A (NM_001363893.1); c.525+6G>A (NM_001363857.1).
Identifiers: ClinVar variation 3058459 (VCV003058459.2), dbSNP rs746955422, ClinGen allele CA2640771.

ClinVar aggregate classification (germline): Likely benign (0 of 4 stars; one submission).

Conditions:
MRPS22-related disorder. Also called: MRPS22-related condition.

Allele frequency attached by ClinVar (database versions not stated): ExAC 0.00001; gnomAD exomes 0.00001.
gnomAD v4.1: 27 of 1,613,752 alleles (0.0017%); highest among the groups gnomAD compares: African/African-American, 0.036%; 1 homozygote.

Submission:

PreventionGenetics, part of Exact Sciences
Classification: Likely benign for MRPS22-related condition. Last evaluated: 2019-03-21. Review status: no assertion criteria provided. Collection method: clinical testing. Allele origin: germline.
Comment: This variant is classified as likely benign based on ACMG/AMP sequence variant interpretation guidelines (Richards et al. 2015 PMID: 25741868, with internal and published modifications).